The following is an entry in ClinVar:

ClinVar aggregate classification (germline): Likely benign. Review status: criteria provided, single submitter (1 of 4 stars). 2 submissions from 2 submitters: Likely benign (1). 1 of the submissions does not count toward it. Last evaluated 2026-01-20.

Conditions:
TRIP4-related disorder. Also called: TRIP4-related disorders; TRIP4-related condition.

Allele frequency attached by ClinVar (database versions not stated): gnomAD exomes below 0.00001 and 0.00002.
gnomAD v4.1: 17 of 1,614,204 alleles (0.0011%); highest among the groups gnomAD compares: Admixed American, 0.0017%; no homozygotes.

Submissions (2):

Labcorp Genetics (formerly Invitae), Labcorp
Classification: Likely benign. Last evaluated: 2026-01-20. Review status: criteria provided, single submitter. Criteria: Invitae Variant Classification Sherloc (09022015). Collection method: clinical testing. Allele origin: germline.

PreventionGenetics, part of Exact Sciences
Classification: Likely benign for TRIP4-related condition. Last evaluated: 2019-05-24. Review status: no assertion criteria provided. Collection method: clinical testing. Allele origin: germline. Not counted in ClinVar's aggregate classification.
Comment: This variant is classified as likely benign based on ACMG/AMP sequence variant interpretation guidelines (Richards et al. 2015 PMID: 25741868, with internal and published modifications).

NM_016213.5(TRIP4):c.924G>A (p.Lys308=)

Gene: TRIP4 (thyroid hormone receptor interactor 4; plus strand). Cytogenetic location: 15q22.31.
Variant type: single nucleotide variant.
Coding change: c.924G>A on transcript NM_016213.5 (MANE Select); coding-DNA position 924, G replaced by A.
Protein change: p.Lys308=; no amino-acid change (lysine 308 retained).
Molecular consequence: synonymous variant. On other transcripts: non-coding transcript variant (1).
Genome position (GRCh38, 1-based): chr15:64,409,709, G>A. VCF-style: chr15-64409709-G-A. GRCh37 (hg19) VCF-style: chr15-64701908-G-A.
Other names: c.234G>A, p.Lys78= (NM_001321924.2).
Identifiers: ClinVar variation 764561 (VCV000764561.6), dbSNP rs367607377, ClinGen allele CA271403001.
Genomic context (GRCh38, chr15:64,409,709, plus strand): 5'-TTACTTTGCCAGTGATTCTAACCAATGGTTGTCCAAACTTGAGCGGGAAACCTTGCAGAA[G>A]CGAGAGGAGGAGCTGAGAGAACTTCGACACGCCTCTCGACTTTCTAAGAAGGTCACCATT-3'
Protein context (NP_057297.2, residues 298-318): LSKLERETLQ[Lys308=]REEELRELRH